The following is an entry in ClinVar:

NM_000210.4(ITGA6):c.1612C>T (p.Gln538Ter)

Genes: ITGA6 (integrin subunit alpha 6; plus strand), PDK1-AS1 (PDK1 and ITGA6 antisense RNA 1; minus strand). Cytogenetic location: 2q31.1.
Variant type: single nucleotide variant.
Coding change: c.1612C>T on transcript NM_000210.4 (MANE Select); coding-DNA position 1612, C replaced by T.
Protein change: p.Gln538Ter; replaces glutamine 538 with a stop codon.
Molecular consequence: nonsense.
Genome position (GRCh38, 1-based): chr2:172,484,844, C>T. VCF-style: chr2-172484844-C-T. GRCh37 (hg19) VCF-style: chr2-173349572-C-T.
Other names: c.1612C>T, p.Gln538Ter (NM_001079818.3, NM_001365529.2, NM_001365530.2); c.1255C>T, p.Gln419Ter (NM_001316306.2); c.1729C>T, p.Gln577Ter (NM_001394928.1); short protein forms Q538*, Q419*, Q577*.
Identifiers: ClinVar variation 2801101 (VCV002801101.3), dbSNP rs2468360052, ClinGen allele CA349292266.

ClinVar aggregate classification (germline): Pathogenic (1 of 4 stars; one submission).

Submission:

Labcorp Genetics (formerly Invitae), Labcorp
Classification: Pathogenic. Last evaluated: 2023-01-16. Review status: criteria provided, single submitter. Criteria: Invitae Variant Classification Sherloc (09022015). Collection method: clinical testing. Allele origin: germline.
Comment: For these reasons, this variant has been classified as Pathogenic. This variant has not been reported in the literature in individuals affected with ITGA6-related conditions. This variant is not present in population databases (gnomAD no frequency). This sequence change creates a premature translational stop signal (p.Gln538*) in the ITGA6 gene. It is expected to result in an absent or disrupted protein product. Loss-of-function variants in ITGA6 are known to be pathogenic (PMID: 9158140, 9185503, 9804362, 27607025).

Literature cited by the submitters: PubMed 9158140; PubMed 9185503; PubMed 9804362; PubMed 27607025.